The following is an entry in ClinVar:

NM_000257.4(MYH7):c.4009C>T (p.Arg1337Trp)

Gene: MYH7 (myosin heavy chain 7; minus strand). Cytogenetic location: 14q11.2.
Variant type: single nucleotide variant.
Coding change: c.4009C>T on transcript NM_000257.4 (MANE Select); coding-DNA position 4009, C replaced by T.
Protein change: p.Arg1337Trp; replaces arginine 1337 with tryptophan.
Molecular consequence: missense variant.
Genome position (GRCh38, 1-based): chr14:23,418,370, G>A on the plus strand (C>T on the coding strand, the complement: MYH7 is on the minus strand). VCF-style: chr14-23418370-G-A. GRCh37 (hg19) VCF-style: chr14-23887579-G-A.
Other names: c.4009C>T (LRG_384t1); short protein forms R1337W.
Identifiers: ClinVar variation 418364 (VCV000418364.10), dbSNP rs763326046, ClinGen allele CA040023.
Genomic context (GRCh38, chr14:23,418,370, plus strand): 5'-GCTCGGCCTTGGCCTCCGTCTCCTCCTCGTACTGCTCCCGCAGCAGGTCGCAGTCATGCC[G>A]GGCCGACTGCAGTGCGTGGGCCAGGGCGTTCTTCGCCTGGGGAGGGGTGGGCACCAGGAG-3'
Protein context (NP_000248.2, residues 1327-1347): NALAHALQSA[Arg1337Trp]HDCDLLREQY

ClinVar aggregate classification (germline): Uncertain significance. Review status: criteria provided, multiple submitters, no conflicts (2 of 4 stars). 5 submissions from 5 submitters: Uncertain significance (5). Last evaluated 2025-04-30.

Conditions:
Hypertrophic cardiomyopathy. Also called: HYPERTROPHIC MYOCARDIOPATHY. Identifiers: Orphanet 217569, MedGen C0007194, MeSH D002312, MONDO:0005045, HP:0001639.
Cardiomyopathy (CMYO). Also called: Cardiomyopathies. Identifiers: Orphanet 167848, MedGen C0878544, MONDO:0004994, HP:0001638. Inheritance: Various modes of inheritance.

Allele frequency attached by ClinVar (database versions not stated): gnomAD exomes below 0.00001 and 0.00001; ExAC 0.00001; gnomAD 0.00001.
gnomAD v4.1: 17 of 1,613,196 alleles (0.0011%); highest among the groups gnomAD compares: Admixed American, 0.0017%; no homozygotes.

Submissions (5):

Labcorp Genetics (formerly Invitae), Labcorp
Classification: Uncertain significance for Hypertrophic cardiomyopathy. Last evaluated: 2025-04-30. Review status: criteria provided, single submitter. Criteria: Invitae Variant Classification Sherloc (09022015). Collection method: clinical testing. Allele origin: germline.
Comment: This sequence change replaces arginine, which is basic and polar, with tryptophan, which is neutral and slightly polar, at codon 1337 of the MYH7 protein (p.Arg1337Trp). This variant is present in population databases (rs763326046, gnomAD 0.003%). This variant has not been reported in the literature in individuals affected with MYH7-related conditions. ClinVar contains an entry for this variant (Variation ID: 418364). Invitae Evidence Modeling of protein sequence and biophysical properties (such as structural, functional, and spatial information, amino acid conservation, physicochemical variation, residue mobility, and thermodynamic stability) indicates that this missense variant is expected to disrupt MYH7 protein function with a positive predictive value of 95%. In summary, the available evidence is currently insufficient to determine the role of this variant in disease. Therefore, it has been classified as a Variant of Uncertain Significance.

All of Us Research Program, National Institutes of Health
Classification: Uncertain significance for Cardiomyopathy. Last evaluated: 2023-11-20. Review status: criteria provided, single submitter. Criteria: ACMG Guidelines, 2015. Collection method: clinical testing. Allele origin: germline. Inheritance: Autosomal dominant inheritance. Observed: 1 variant allele, 1 heterozygote.
Comment: This missense variant replaces arginine with tryptophan at codon 1337 of the MYH7 protein. Computational prediction suggests that this variant may have deleterious impact on protein structure and function (internally defined REVEL score threshold >= 0.7, PMID: 27666373). To our knowledge, functional studies have not been reported for this variant. This variant has not been reported in individuals affected with MYH7-related disorders in the literature. This variant has been identified in 1/250136 chromosomes in the general population by the Genome Aggregation Database (gnomAD). The available evidence is insufficient to determine the role of this variant in disease conclusively. Therefore, this variant is classified as a Variant of Uncertain Significance.

This study involves interpretation of variants in research participants for the purpose of population health screening. Participant phenotype was not available at the time of variant classification. Additional details can be found in publication PMID: 35346344, PMCID: PMC8962531

Color Diagnostics, LLC DBA Color Health
Classification: Uncertain significance for Cardiomyopathy. Last evaluated: 2023-11-01. Review status: criteria provided, single submitter. Criteria: ACMG Guidelines, 2015. Collection method: clinical testing. Allele origin: germline.
Comment: This missense variant replaces arginine with tryptophan at codon 1337 of the MYH7 protein. Computational prediction suggests that this variant may have deleterious impact on protein structure and function (internally defined REVEL score threshold >= 0.7, PMID: 27666373). To our knowledge, functional studies have not been reported for this variant. This variant has not been reported in individuals affected with MYH7-related disorders in the literature. This variant has been identified in 1/250136 chromosomes in the general population by the Genome Aggregation Database (gnomAD). The available evidence is insufficient to determine the role of this variant in disease conclusively. Therefore, this variant is classified as a Variant of Uncertain Significance.

Blueprint Genetics
Classification: Uncertain significance. Last evaluated: 2022-05-11. Review status: criteria provided, single submitter. Criteria: ACMG Guidelines, 2015. Collection method: clinical testing. Allele origin: germline.

GeneDx
Classification: Uncertain significance. Last evaluated: 2017-02-23. Review status: criteria provided, single submitter. Criteria: GeneDx Variant Classification (06012015). Collection method: clinical testing. Allele origin: germline. Affected: yes.
Comment: A variant of uncertain significance has been identified in the MYH7 gene. The R1337W variant has not been published as pathogenic or been reported as benign to our knowledge. This variant is not observed at a significant frequency in large population cohorts (Lek et al., 2016; 1000 Genomes Consortium et al., 2015; Exome Variant Server). The R1337W variant is a non-conservative amino acid substitution, which is likely to impact secondary protein structure as these residues differ in polarity, charge, size and/or other properties. Additionally, this substitution occurs at a position that is conserved across species. Furthermore, in silico analysis predicts this variant is probably damaging to the protein structure/function. Although missense variants in nearby residues (R1344Q, R1344W, A1332T, N1327K) have been reported in the Human Gene Mutation Database in association with cardiomyopathy (Stenson et al., 2014), the pathogenicity of these variants has not been definitively determined. Nevertheless, observation in additional affected individuals, segregation data, and functional evidence are needed to clarify the pathogenicity of the R1337W variant.